The following is an entry in ClinVar:

NM_000548.5(TSC2):c.1945_1946+4del

Gene: TSC2 (TSC complex subunit 2; plus strand). Cytogenetic location: 16p13.3.
Variant type: Deletion.
Coding change: c.1945_1946+4del on transcript NM_000548.5 (MANE Select); coding-DNA position 1945 through 4 bases into the intron after coding-DNA position 1946, 6 bases deleted (ATGTAC; older notation c.1945_1946+4delATGTAC).
Molecular consequence: splice donor variant.
Genome position (GRCh38, 1-based): chr16:2,071,615-2,071,620, ATGTAC deleted; deleting any 6 consecutive bases within chr16:2,071,612-2,071,620 gives the same sequence; the c. name uses the placement nearest the transcript's 3' end. VCF-style (leftmost placement, unchanged base first): chr16-2071611-CTACATG-C. GRCh37 (hg19) VCF-style: chr16-2121612-CTACATG-C.
Other names: c.1945_1946+4delATGTAC (NM_000548.3); c.1945_1946+4del (NM_001114382.3, NM_021055.3, NM_001370405.1 and 3 more transcripts); c.1834_1835+4del (NM_001318827.2); c.1345_1346+4del (NM_001318831.2); c.1798_1799+4del (NM_001318829.2); c.1978_1979+4del (NM_001318832.2).
Identifiers: ClinVar variation 1066434 (VCV001066434.9), dbSNP rs2151299256, ClinGen allele CA2499223293.

ClinVar aggregate classification (germline): Pathogenic/Likely pathogenic. Review status: criteria provided, multiple submitters, no conflicts (2 of 4 stars). 3 submissions from 3 submitters: Pathogenic (1); Likely pathogenic (2). Last evaluated 2024-12-16.

Conditions:
Hereditary cancer-predisposing syndrome. Also called: Tumor predisposition; Neoplastic Syndromes, Hereditary; Hereditary neoplastic syndrome; Hereditary Cancer Syndrome. Identifiers: Orphanet 140162, MedGen C0027672, MeSH D009386, MONDO:0015356.
Tuberous sclerosis 2 (TSC2). Identifiers: Orphanet 805, MedGen C1860707, MONDO:0013199, OMIM 613254.

Submissions (3):

Ambry Genetics
Classification: Likely pathogenic for Hereditary cancer-predisposing syndrome. Last evaluated: 2024-12-16. Review status: criteria provided, single submitter. Criteria: Ambry Variant Classification Scheme 2023. Collection method: clinical testing. Allele origin: germline.
Comment: The c.1945_1946+4delATGTAC variant results from a deletion of 6 nucleotides between positions c.1945 and c.1946+4 and involves the canonical splice donor site after coding exon 17 of the TSC2 gene. The canonical splice donor site is well conserved in available vertebrate species. In silico splice site analysis predicts that this alteration will weaken the native splice donor site; however, direct evidence is insufficient at this time (Ambry internal data). This variant is considered to be rare based on population cohorts in the Genome Aggregation Database (gnomAD). Alterations that disrupt the canonical splice site are expected to cause aberrant splicing, resulting in an abnormal protein or a transcript that is subject to nonsense-mediated mRNA decay. As such, this alteration is classified as likely pathogenic.

Clinical Genetics Laboratory, Skane University Hospital Lund
Classification: Pathogenic. Last evaluated: 2022-07-19. Review status: criteria provided, single submitter. Criteria: ACMG Guidelines, 2015. Collection method: clinical testing. Allele origin: germline. Affected: yes.

Labcorp Genetics (formerly Invitae), Labcorp
Classification: Likely pathogenic for Tuberous sclerosis 2. Last evaluated: 2020-08-28. Review status: criteria provided, single submitter. Criteria: Invitae Variant Classification Sherloc (09022015). Collection method: clinical testing. Allele origin: germline.
Comment: This variant is not present in population databases (ExAC no frequency). In summary, the currently available evidence indicates that the variant is pathogenic, but additional data are needed to prove that conclusively. Therefore, this variant has been classified as Likely Pathogenic. Loss-of-function variants in TSC2 are known to be pathogenic (PMID: 10205261, 17304050). Algorithms developed to predict the effect of sequence changes on RNA splicing suggest that this variant may disrupt the consensus splice site, but this prediction has not been confirmed by published transcriptional studies. This variant has not been reported in the literature in individuals with TSC2-related conditions. This variant results in the deletion of part of exon 18 (c.1945_1946+4del) of the TSC2 gene. It is expected to disrupt RNA splicing and likely results in an absent or disrupted protein product.

Literature cited by the submitters: PubMed 10205261 (cited by Labcorp Genetics (formerly Invitae), Labcorp); PubMed 17304050 (cited by Labcorp Genetics (formerly Invitae), Labcorp).